The following is an entry in ClinVar:

NM_000051.4(ATM):c.6867dup (p.Glu2290Ter)

Genes: ATM (ATM serine/threonine kinase; plus strand), C11orf65 (chromosome 11 open reading frame 65; minus strand). Cytogenetic location: 11q22.3.
Variant type: Duplication.
Coding change: c.6867dup on transcript NM_000051.4 (MANE Select); coding-DNA position 6867, one base duplicated (T; older notation c.6867dupT).
Protein change: p.Glu2290Ter; replaces glutamic acid 2290 with a stop codon.
Molecular consequence: nonsense. On other transcripts: frameshift variant (1), intron variant (2).
Genome position (GRCh38, 1-based): chr11:108,326,117, T duplicated. VCF-style (leftmost placement, unchanged base first): chr11-108326116-C-CT. GRCh37 (hg19) VCF-style: chr11-108196843-C-CT.
Other names: c.6867dupT (NM_000051.3); c.6867dup, p.Glu2290Ter (NM_001351834.2); c.641-17046dup (NM_001330368.2); c.*38+9103dup (NM_001351110.2); short protein forms E2290*.
Identifiers: ClinVar variation 453645 (VCV000453645.27), dbSNP rs1555119834, ClinGen allele CA658656276.

ClinVar aggregate classification (germline): Pathogenic. Review status: criteria provided, multiple submitters, no conflicts (2 of 4 stars). 9 submissions from 9 submitters: Pathogenic (9). Last evaluated 2025-07-01.

Conditions:
Familial cancer of breast. Also called: Hereditary breast cancer; BREAST CANCER, FAMILIAL; hereditary breast carcinoma. Identifiers: Orphanet 227535, MedGen C0346153, MONDO:0016419, OMIM 114480. Disease mechanism: loss of function.
Ataxia-telangiectasia syndrome (AT). Also called: LOUIS-BAR SYNDROME; Cerebello-oculocutaneous telangiectasia; Immunodeficiency with ataxia telangiectasia; Ataxia-telangiectasia, complementation group D; AT, COMPLEMENTATION GROUP C; Ataxia-telangiectasia, complementation group E. Identifiers: Orphanet 100, MedGen C0004135, MONDO:0008840, OMIM 208900.
Hereditary cancer-predisposing syndrome. Also called: Neoplastic Syndromes, Hereditary; Hereditary Cancer Syndrome; Tumor predisposition; Hereditary neoplastic syndrome. Identifiers: Orphanet 140162, MedGen C0027672, MeSH D009386, MONDO:0015356.
Seizure. Also called: Seizures. Identifiers: MedGen C0036572, HP:0001250.
Cerebellar ataxia. Identifiers: Orphanet 102002, MedGen C0007758, MONDO:0000437.

Submissions (9):

Ambry Genetics
Classification: Pathogenic for Hereditary cancer-predisposing syndrome. Last evaluated: 2025-07-01. Review status: criteria provided, single submitter. Criteria: Ambry Variant Classification Scheme 2023. Collection method: clinical testing. Allele origin: germline.
Comment: The c.6867dupT pathogenic mutation (also known as p.E2290*), located in coding exon 46 of the ATM gene, results from a duplication of T at nucleotide position 6867. This changes the amino acid from a glutamic acid to a stop codon within coding exon 46. This mutation has been detected in the homozygous state in an individual diagnosed with ataxia-telangiectasia (Sandoval N et al. Hum. Mol. Genet. 1999 Jan;8:69-79). This variant is considered to be rare based on population cohorts in the Genome Aggregation Database (gnomAD). In addition to the clinical data presented in the literature, this alteration is expected to result in loss of function by premature protein truncation or nonsense-mediated mRNA decay. As such, this alteration is interpreted as a disease-causing mutation.

Labcorp Genetics (formerly Invitae), Labcorp
Classification: Pathogenic for Ataxia-telangiectasia syndrome. Last evaluated: 2024-11-09. Review status: criteria provided, single submitter. Criteria: Invitae Variant Classification Sherloc (09022015). Collection method: clinical testing. Allele origin: germline.
Comment: This sequence change creates a premature translational stop signal (p.Glu2290*) in the ATM gene. It is expected to result in an absent or disrupted protein product. Loss-of-function variants in ATM are known to be pathogenic (PMID: 23807571, 25614872). This variant is not present in population databases (gnomAD no frequency). This premature translational stop signal has been observed in individual(s) with ataxia-telangiectasia (PMID: 9887333). This variant is also known as 6867insT. ClinVar contains an entry for this variant (Variation ID: 453645). For these reasons, this variant has been classified as Pathogenic.

Baylor Genetics
Classification: Pathogenic for Familial cancer of breast. Last evaluated: 2024-03-15. Review status: criteria provided, single submitter. Criteria: ACMG Guidelines, 2015. Collection method: clinical testing. Allele origin: unknown.

Fulgent Genetics
Classification: Pathogenic for Familial cancer of breast; Ataxia-telangiectasia syndrome. Last evaluated: 2024-03-14. Review status: criteria provided, single submitter. Criteria: ACMG Guidelines, 2015. Collection method: clinical testing. Allele origin: germline.

Myriad Genetics, Inc.
Classification: Pathogenic for Familial cancer of breast. Last evaluated: 2024-01-30. Review status: criteria provided, single submitter. Criteria: Myriad Autosomal Dominant, Autosomal Recessive and X-Linked Classification Criteria (2023). Collection method: clinical testing. Allele origin: unknown.
Comment: This variant is considered pathogenic. This variant creates a termination codon and is predicted to result in premature protein truncation.

Knight Diagnostic Laboratories, Oregon Health and Sciences University
Classification: Pathogenic for Ataxia; Seizure. Last evaluated: 2019-07-29. Review status: criteria provided, single submitter. Criteria: ACMG Guidelines, 2015. Collection method: clinical testing. Allele origin: germline. Observed: 1 variant allele.

Genetic Services Laboratory, University of Chicago
Classification: Pathogenic. Last evaluated: 2019-03-26. Review status: criteria provided, single submitter. Criteria: ACMG Guidelines, 2015. Collection method: clinical testing. Allele origin: germline. Affected: yes.
Comment: DNA sequence analysis of the ATM gene demonstrated one base pair duplication in exon 47, c.6867dup. This pathogenic sequence change results in a premature stop codon at amino acid position 2290, p.Glu2290*. This pathogenic sequence change is predicted to result in an abnormal transcript, which may be degraded, or may lead to the production of a truncated ATM protein with potentially abnormal function. This sequence change has not been described as a known benign sequence change in the ATM gene. This pathogenic sequence change has previously been described in a patient with ataxia-telangiectasia in a homozygous state (PMID: 9887333). Based on the above information, we classify this variant as a pathogenic variant.

Academic Department of Medical Genetics, University of Cambridge
Classification: Pathogenic for Hereditary cancer-predisposing syndrome. Last evaluated: 2018-01-26. Review status: criteria provided, single submitter. Criteria: ACMG Guidelines, 2015. Collection method: research. Allele origin: germline. Affected: yes. Observed: 1 heterozygote.
Comment: Application of AMCG guidelines 2015. Used other ClinVar submission evidence where relevant. Loss of heterozygosity in tumours or immunohistochemistry abnormalities considered functional evidence of pathogenicity.

Identified as part of research study of individuals with multiple primary tumours referred for genetic assessment

Juno Genomics, Hangzhou Juno Genomics, Inc
Classification: Pathogenic for Familial cancer of breast; Ataxia-telangiectasia syndrome. Review status: criteria provided, single submitter. Criteria: ACMG Guidelines, 2015. Collection method: clinical testing. Allele origin: germline.
Comment: Absent from controls (or at extremely low frequency if recessive) in Genome Aggregation Database.;Null variant in a gene where loss of function (LOF) is a known mechanism of disease.;For recessive disorders, detected in trans with a pathogenic variant.

Literature cited by the submitters: PubMed 29909963 (cited by Ambry Genetics); PubMed 9887333 (cited by Ambry Genetics and Labcorp Genetics (formerly Invitae), Labcorp); PubMed 23807571 (cited by Labcorp Genetics (formerly Invitae), Labcorp); PubMed 25614872 (cited by Labcorp Genetics (formerly Invitae), Labcorp).